The following is an entry in ClinVar:

NM_013382.7(POMT2):c.756A>G (p.Gln252=)

Gene: POMT2 (protein O-mannosyltransferase 2; minus strand). Cytogenetic location: 14q24.3.
Variant type: single nucleotide variant.
Coding change: c.756A>G on transcript NM_013382.7 (MANE Select); coding-DNA position 756, A replaced by G.
Protein change: p.Gln252=; no amino-acid change (glutamine 252 retained).
Molecular consequence: synonymous variant.
Genome position (GRCh38, 1-based): chr14:77,301,150, T>C on the plus strand (A>G on the coding strand, the complement: POMT2 is on the minus strand). VCF-style: chr14-77301150-T-C. GRCh37 (hg19) VCF-style: chr14-77767493-T-C.
Identifiers: ClinVar variation 837356 (VCV000837356.7), dbSNP rs766529891, ClinGen allele CA7286097.

ClinVar aggregate classification (germline): Uncertain significance (1 of 4 stars; one submission).

Conditions:
Muscular dystrophy-dystroglycanopathy (congenital with brain and eye anomalies), type A2. Also called: MUSCULAR DYSTROPHY-DYSTROGLYCANOPATHY (CONGENITAL WITH BRAIN AND EYE ANOMALIES), TYPE A, 2; WALKER-WARBURG SYNDROME OR MUSCLE-EYE-BRAIN DISEASE, POMT2-RELATED. Identifiers: Orphanet 588, Orphanet 899, MedGen C3150411, MONDO:0013154, OMIM 613150.
Muscular dystrophy-dystroglycanopathy (congenital with impaired intellectual development), type B, 2. Also called: MUSCULAR DYSTROPHY, CONGENITAL, POMT2-RELATED; Muscular dystrophy-dystroglycanopathy (congenital with intellectual disability), type B2. Identifiers: MedGen C3150416, MONDO:0013160, OMIM 613156.
Autosomal recessive limb-girdle muscular dystrophy type 2N. Also called: MUSCULAR DYSTROPHY-DYSTROGLYCANOPATHY, LIMB-GIRDLE, POMT2-RELATED; Muscular dystrophy-dystroglycanopathy (limb-girdle), type C, 2. Identifiers: Orphanet 206559, MedGen C3150418, MONDO:0013162, OMIM 613158.

Allele frequency attached by ClinVar (database versions not stated): gnomAD exomes below 0.00001; ExAC 0.00001; gnomAD 0.00001; TOPMed 0.00001.
gnomAD v4.1: 7 of 1,614,066 alleles (0.00043%); highest among the groups gnomAD compares: African/African-American, 0.0013%; no homozygotes.

Submission:

Labcorp Genetics (formerly Invitae), Labcorp
Classification: Uncertain significance for Muscular dystrophy-dystroglycanopathy (congenital with impaired intellectual development), type B, 2; Muscular dystrophy-dystroglycanopathy (congenital with brain and eye anomalies), type A2; Autosomal recessive limb-girdle muscular dystrophy type 2N. Last evaluated: 2021-08-31. Review status: criteria provided, single submitter. Criteria: Invitae Variant Classification Sherloc (09022015). Collection method: clinical testing. Allele origin: germline.
Comment: This sequence change affects codon 252 of the POMT2 mRNA. It is a 'silent' change, meaning that it does not change the encoded amino acid sequence of the POMT2 protein. This variant is present in population databases (rs766529891, ExAC 0.001%). This variant has not been reported in the literature in individuals affected with POMT2-related conditions. Algorithms developed to predict the effect of sequence changes on RNA splicing suggest that this variant may create or strengthen a splice site. In summary, the available evidence is currently insufficient to determine the role of this variant in disease. Therefore, it has been classified as a Variant of Uncertain Significance.